The following is an entry in ClinVar:

ClinVar aggregate classification (germline): Likely benign (0 of 4 stars; one submission).

Conditions:
BRCA1-related disorder. Also called: BRCA1-related condition.

Allele frequency attached by ClinVar (database versions not stated): gnomAD 0.00001; gnomAD exomes 0.00003.

Submission:

PreventionGenetics, part of Exact Sciences
Classification: Likely benign for BRCA1-related condition. Last evaluated: 2023-11-17. Review status: no assertion criteria provided. Collection method: clinical testing. Allele origin: germline.
Comment: This variant is classified as likely benign based on ACMG/AMP sequence variant interpretation guidelines (Richards et al. 2015 PMID: 25741868, with internal and published modifications).

NM_007294.4(BRCA1):c.*721G>A

Gene: BRCA1 (BRCA1 DNA repair associated; minus strand). Cytogenetic location: 17q21.31.
Variant type: single nucleotide variant.
Coding change: c.*721G>A on transcript NM_007294.4 (MANE Select); 721 bases downstream of the stop codon, G replaced by A.
Molecular consequence: 3 prime UTR variant.
Genome position (GRCh38, 1-based): chr17:43,044,957, C>T on the plus strand (G>A on the coding strand, the complement: BRCA1 is on the minus strand). VCF-style: chr17-43044957-C-T. GRCh37 (hg19) VCF-style: chr17-41196974-C-T.
Other names: c.*721G>A (NM_001407571.1, NM_001407581.1, NM_001407582.1 and 348 more transcripts); c.*827G>A (NM_001407854.1, NM_001407858.1, NM_001407859.1 and 14 more transcripts).
Identifiers: ClinVar variation 3054341 (VCV003054341.2), dbSNP rs975601343, ClinGen allele CA290815061.